The following is an entry in ClinVar:

ClinVar aggregate classification (germline): Uncertain significance (1 of 4 stars; one submission).

Conditions:
Dyskeratosis congenita. Identifiers: Orphanet 1775, MedGen C0265965, MONDO:0015780.

Allele frequency attached by ClinVar (database versions not stated): gnomAD exomes below 0.00001.
gnomAD v4.1: 1 of 1,614,166 alleles (0.000062%); highest among the groups gnomAD compares: Non-Finnish European, 0.000085%; no homozygotes.

Submission:

Labcorp Genetics (formerly Invitae), Labcorp
Classification: Uncertain significance for Dyskeratosis congenita. Last evaluated: 2024-11-05. Review status: criteria provided, single submitter. Criteria: Invitae Variant Classification Sherloc (09022015). Collection method: clinical testing. Allele origin: germline.
Comment: This sequence change replaces asparagine, which is neutral and polar, with lysine, which is basic and polar, at codon 104 of the CTC1 protein (p.Asn104Lys). This variant is not present in population databases (gnomAD no frequency). This variant has not been reported in the literature in individuals affected with CTC1-related conditions. ClinVar contains an entry for this variant (Variation ID: 1427859). Invitae Evidence Modeling of protein sequence and biophysical properties (such as structural, functional, and spatial information, amino acid conservation, physicochemical variation, residue mobility, and thermodynamic stability) indicates that this missense variant is not expected to disrupt CTC1 protein function with a negative predictive value of 80%. In summary, the available evidence is currently insufficient to determine the role of this variant in disease. Therefore, it has been classified as a Variant of Uncertain Significance.

NM_025099.6(CTC1):c.312C>A (p.Asn104Lys)

Gene: CTC1 (CST telomere replication complex component 1; minus strand). Cytogenetic location: 17p13.1.
Variant type: single nucleotide variant.
Coding change: c.312C>A on transcript NM_025099.6 (MANE Select); coding-DNA position 312, C replaced by A.
Protein change: p.Asn104Lys; replaces asparagine 104 with lysine.
Molecular consequence: missense variant. On other transcripts: non-coding transcript variant (1).
Genome position (GRCh38, 1-based): chr17:8,238,515, G>T on the plus strand (C>A on the coding strand, the complement: CTC1 is on the minus strand). VCF-style: chr17-8238515-G-T. GRCh37 (hg19) VCF-style: chr17-8141833-G-T.
Other names: short protein forms N104K.
Identifiers: ClinVar variation 1427859 (VCV001427859.6), dbSNP rs1987939410, ClinGen allele CA397993554.